The following is an entry in ClinVar:

NM_004444.5(EPHB4):c.1954G>A (p.Gly652Ser)

Gene: EPHB4 (EPH receptor B4; minus strand). Cytogenetic location: 7q22.1.
Variant type: single nucleotide variant.
Coding change: c.1954G>A on transcript NM_004444.5 (MANE Select); coding-DNA position 1954, G replaced by A.
Protein change: p.Gly652Ser; replaces glycine 652 with serine.
Molecular consequence: missense variant.
Genome position (GRCh38, 1-based): chr7:100,812,911, C>T on the plus strand (G>A on the coding strand, the complement: EPHB4 is on the minus strand). VCF-style: chr7-100812911-C-T. GRCh37 (hg19) VCF-style: chr7-100410533-C-T.
Other names: short protein forms G652S.
Identifiers: ClinVar variation 3275971 (VCV003275971.1).
Genomic context (GRCh38, chr7:100,812,911, plus strand): 5'-CGAACTGGCCCATGATGGAGGCCTCGCTCAGAAACTCACGCCGCTGCCGCTCCGTGTAGC[C>T]ACCCTTCAGGGTCTTGATTGCCACACAGCTCTCCTTCTTCCCTGGGGCCTTGAGCCGCCC-3'
Protein context (NP_004435.3, residues 642-662): SCVAIKTLKG[Gly652Ser]YTERQRREFL

ClinVar aggregate classification (germline): Uncertain significance (1 of 4 stars; one submission).

Conditions:
Cardiovascular phenotype. Identifiers: MedGen CN230736.

gnomAD v4.1: 33 of 1,614,228 alleles (0.002%); highest among the groups gnomAD compares: Non-Finnish European, 0.0028%; no homozygotes.

Submission:

Ambry Genetics
Classification: Uncertain significance for Cardiovascular phenotype. Last evaluated: 2024-03-22. Review status: criteria provided, single submitter. Criteria: Ambry Variant Classification Scheme 2023. Collection method: clinical testing. Allele origin: germline.
Comment: The p.G652S variant (also known as c.1954G>A), located in coding exon 12 of the EPHB4 gene, results from a G to A substitution at nucleotide position 1954. The glycine at codon 652 is replaced by serine, an amino acid with similar properties. This amino acid position is conserved. In addition, the in silico prediction for this alteration is inconclusive. Based on the available evidence, the clinical significance of this alteration remains unclear.